The following is an entry in ClinVar:

NM_002468.5(MYD88):c.121A>T (p.Thr41Ser)

Gene: MYD88 (MYD88 innate immune signal transduction adaptor; plus strand). Cytogenetic location: 3p22.2.
Variant type: single nucleotide variant.
Coding change: c.121A>T on transcript NM_002468.5 (MANE Select); coding-DNA position 121, A replaced by T.
Protein change: p.Thr41Ser; replaces threonine 41 with serine.
Molecular consequence: missense variant.
Genome position (GRCh38, 1-based): chr3:38,138,821, A>T. VCF-style: chr3-38138821-A-T. GRCh37 (hg19) VCF-style: chr3-38180312-A-T.
Other names: c.121A>T, p.Thr41Ser (NM_001172566.2, NM_001172567.2, NM_001172568.2 and 3 more transcripts); short protein forms T41S.
Identifiers: ClinVar variation 134868 (VCV000134868.7), dbSNP rs587778543, ClinGen allele CA160951.
Genomic context (GRCh38, chr3:38,138,821, plus strand): 5'-CCCCTGGCTGCTCTCAACATGCGAGTGCGGCGCCGCCTGTCTCTGTTCTTGAACGTGCGG[A>T]CACAGGTGGCGGCCGACTGGACCGCGCTGGCGGAGGAGATGGACTTTGAGTACTTGGAGA-3'
Protein context (NP_002459.3, residues 31-51): RRLSLFLNVR[Thr41Ser]QVAADWTALA

ClinVar aggregate classification (germline): Conflicting classifications of pathogenicity. Review status: criteria provided, conflicting classifications (1 of 4 stars). 3 submissions from 3 submitters: Uncertain significance (1); Likely benign (1). 1 of the submissions does not count toward it. Last evaluated 2022-07-15.

Conditions:
Pyogenic bacterial infections due to MyD88 deficiency (IMD68). Also called: PYOGENIC BACTERIAL INFECTIONS, RECURRENT, DUE TO MYD88 DEFICIENCY. Identifiers: Orphanet 183713, MedGen C2677092, MONDO:0012839, OMIM 612260.

Allele frequency attached by ClinVar (database versions not stated): ExAC 0.00001; TOPMed 0.00001; gnomAD exomes 0.00002 and below 0.00001.
gnomAD v4.1: 23 of 1,613,676 alleles (0.0014%); highest among the groups gnomAD compares: Non-Finnish European, 0.0019%; no homozygotes.

Submissions (3):

Blueprint Genetics
Classification: Likely benign. Last evaluated: 2022-07-15. Review status: criteria provided, single submitter. Criteria: ACMG Guidelines, 2015. Collection method: clinical testing. Allele origin: germline.

Labcorp Genetics (formerly Invitae), Labcorp
Classification: Uncertain significance for Pyogenic bacterial infections due to MyD88 deficiency. Last evaluated: 2022-03-04. Review status: criteria provided, single submitter. Criteria: Invitae Variant Classification Sherloc (09022015). Collection method: clinical testing. Allele origin: germline.
Comment: Algorithms developed to predict the effect of missense changes on protein structure and function output the following: SIFT: "Tolerated"; PolyPhen-2: "Benign"; Align-GVGD: "Class C0". The serine amino acid residue is found in multiple mammalian species, which suggests that this missense change does not adversely affect protein function. In summary, the available evidence is currently insufficient to determine the role of this variant in disease. Therefore, it has been classified as a Variant of Uncertain Significance. ClinVar contains an entry for this variant (Variation ID: 134868). This variant has not been reported in the literature in individuals affected with MYD88-related conditions. This variant is present in population databases (rs587778543, gnomAD 0.0009%). This sequence change replaces threonine, which is neutral and polar, with serine, which is neutral and polar, at codon 54 of the MYD88 protein (p.Thr54Ser).

ITMI
No classification provided. Condition: AllHighlyPenetrant. Last evaluated: 2013-09-19. Review status: no classification provided. Collection method: reference population. Allele origin: germline. Not counted in ClinVar's aggregate classification.
Comment: Please see associated publication for description of ethnicities

Literature cited by the submitters: PubMed 24728327 (cited by ITMI).